The following is an entry in ClinVar:

NM_005609.4(PYGM):c.1537A>G (p.Ile513Val)

Gene: PYGM (glycogen phosphorylase, muscle associated; minus strand). Cytogenetic location: 11q13.1.
Variant type: single nucleotide variant.
Coding change: c.1537A>G on transcript NM_005609.4 (MANE Select); coding-DNA position 1537, A replaced by G.
Protein change: p.Ile513Val; replaces isoleucine 513 with valine.
Molecular consequence: missense variant.
Genome position (GRCh38, 1-based): chr11:64,752,486, T>C on the plus strand (A>G on the coding strand, the complement: PYGM is on the minus strand). VCF-style: chr11-64752486-T-C. GRCh37 (hg19) VCF-style: chr11-64519958-T-C.
Other names: p.Ile513Val; c.1273A>G, p.Ile425Val (NM_001164716.1); short protein forms I513V, I425V.
Identifiers: ClinVar variation 194233 (VCV000194233.64), dbSNP rs139570786, ClinGen allele CA240092.

ClinVar aggregate classification (germline): Conflicting classifications of pathogenicity. Review status: criteria provided, conflicting classifications (1 of 4 stars). 13 submissions from 13 submitters: Likely pathogenic (1); Uncertain significance (4); Likely benign (7). 1 of the submissions does not count toward it. Last evaluated 2026-09-01.

Conditions:
PYGM-related disorder. Also called: PYGM-related condition.
Glycogen storage disease, type V (GSD5). Also called: MUSCLE GLYCOGEN PHOSPHORYLASE DEFICIENCY; MYOPHOSPHORYLASE DEFICIENCY; MCARDLE DISEASE; PYGM DEFICIENCY; McArdle type glycogen storage disease. Identifiers: Orphanet 368, MedGen C0017924, MONDO:0009293, OMIM 232600.
Tip-toe gait. Also called: Toe walking. Identifiers: MedGen C0427144, HP:0030051.

Allele frequency attached by ClinVar (database versions not stated): 1000 Genomes Project 0.00160; 1000 Genomes Project 30x 0.00172; TOPMed 0.00210; gnomAD 0.00232 and 0.00236; ExAC 0.00288; ESP Exome Variant Server 0.00292.

Submissions (13):

CeGaT Center for Human Genetics Tuebingen
Classification: Likely benign. Last evaluated: 2026-09-01. Review status: criteria provided, single submitter. Criteria: CeGaT Center For Human Genetics Tuebingen Variant Classification Criteria Version 2. Collection method: clinical testing. Allele origin: germline. Affected: yes. Observed: 14 variant alleles.
Comment: PYGM: BS2

Mendelics
Classification: Uncertain significance for Glycogen storage disease, type V. Last evaluated: 2026-03-05. Review status: criteria provided, single submitter. Criteria: ACMG Guidelines, 2015. Collection method: clinical testing. Allele origin: unknown.
Comment: The available evidence is insufficient to conclusively determine the role of this variant. Therefore, it is classified as a Variant of Uncertain Significance.

Labcorp Genetics (formerly Invitae), Labcorp
Classification: Uncertain significance for Glycogen storage disease, type V. Last evaluated: 2026-01-27. Review status: criteria provided, single submitter. Criteria: Invitae Variant Classification Sherloc (09022015). Collection method: clinical testing. Allele origin: germline.
Comment: This sequence change replaces isoleucine with valine at codon 513 of the PYGM protein (p.Ile513Val). The isoleucine residue is highly conserved and there is a small physicochemical difference between isoleucine and valine. This variant is present in population databases (rs139570786, gnomAD 0.7%), and has an allele count higher than expected for a pathogenic variant. This missense change has been observed in individual(s) with McArdle disease (PMID: 23653251; internal data). ClinVar contains an entry for this variant (Variation ID: 194233). Invitae Evidence Modeling of protein sequence and biophysical properties (such as structural, functional, and spatial information, amino acid conservation, physicochemical variation, residue mobility, and thermodynamic stability) indicates that this missense variant is not expected to disrupt PYGM protein function with a negative predictive value of 80%. In summary, the available evidence is currently insufficient to determine the role of this variant in disease. Therefore, it has been classified as a Variant of Uncertain Significance.

Women's Health and Genetics/Laboratory Corporation of America, LabCorp
Classification: Likely benign. Last evaluated: 2025-02-19. Review status: criteria provided, single submitter. Criteria: LabCorp Variant Classification Summary - May 2015. Collection method: clinical testing. Allele origin: germline.
Comment: Variant summary: PYGM c.1537A>G (p.Ile513Val) results in a conservative amino acid change in the encoded protein sequence. Four of five in-silico tools predict a benign effect of the variant on protein function. The variant allele was found at a frequency of 0.003 in 251172 control chromosomes, predominantly at a frequency of 0.0037 within the Non-Finnish European subpopulation in the gnomAD database, including 1 homozygotes. The observed variant frequency within Non-Finnish European control individuals in the gnomAD database is approximately 1 fold of the estimated maximal expected allele frequency for a pathogenic variant in PYGM causing Glycogen Storage Disease, Type V phenotype (0.0035). c.1537A>G has been reported in the literature as a compound heterozygous genotype in at least three individuals affected with Glycogen Storage Disease, Type V (e.g. Gurgel-Giannetti_2013, Zare_2022); however, two of these individuals were siblings who also had the variant in cis with a variant of uncertain significance (Zare_2022). The variant was also reported in the compound heterozygous state following multigene panel testing in an individual with limb-girdle muscular dystrophy who had a clinical diagnosis with histology showing dystrophic features (Savarese_2014). These reports do not provide unequivocal conclusions about association of the variant with Glycogen Storage Disease, Type V. To our knowledge, no experimental evidence demonstrating an impact on protein function has been reported. The following publications have been ascertained in the context of this evaluation (PMID: 23653251, 25214167, PMCID: PMC9627962). ClinVar contains an entry for this variant (Variation ID: 194233). Based on the evidence outlined above, the variant was classified as likely benign.

Blueprint Genetics
Classification: Likely benign. Last evaluated: 2024-11-27. Review status: criteria provided, single submitter. Criteria: ACMG Guidelines, 2015. Collection method: clinical testing. Allele origin: germline.

Mayo Clinic Laboratories, Mayo Clinic
Classification: Likely benign. Last evaluated: 2024-05-29. Review status: criteria provided, single submitter. Criteria: ACMG Guidelines, 2015. Collection method: clinical testing. Allele origin: germline. Observed: 9 variant alleles.
Comment: BS1, BS2

PreventionGenetics, part of Exact Sciences
Classification: Uncertain significance for PYGM-related condition. Last evaluated: 2022-10-25. Review status: criteria provided, single submitter. Criteria: ACMG Guidelines, 2015. Collection method: clinical testing. Allele origin: germline.
Comment: The PYGM c.1537A>G variant is predicted to result in the amino acid substitution p.Ile513Val. This variant has been previously detected, in the heterozygous state with one other known pathogenic PYGM variant, in at least two unrelated patients with glycogen storage disease type V (GSD V, also known as McArdle Disease) (Gurgel-Giannetti et al. 2013. PubMed ID: 23653251; Savarese et al. 2014. PubMed ID: 25214167). In the patient reported by Gurgel-Giannetti et al., it was confirmed to be in trans with a known pathogenic variant. However, this variant is also reported at a minor allele frequency ranging from 0.12% to 0.65% in multiple populations in gnomAD, which may indicate this variant is too common to be a primary cause of disease. This variant is reported with interpretations ranging from benign to uncertain in the ClinVar database. We have observed this variant internally in several patients, generally without a second plausible causative variant in PYGM. In summary, although we suspect that this variant may possibly be benign, at this time its clinical significance is uncertain due to the absence of conclusive functional and genetic evidence.

Genome-Nilou Lab
Classification: Likely benign for Glycogen storage disease, type V. Last evaluated: 2021-07-22. Review status: criteria provided, single submitter. Criteria: ACMG Guidelines, 2015. Collection method: clinical testing. Allele origin: germline. Affected: no.

Practice for Gait Abnormalities, David Pomarino, Competency Network Toe Walking C/o Practice Pomarino
Classification: Likely pathogenic for Tip-toe gait. Last evaluated: 2021-05-31. Review status: criteria provided, single submitter. Criteria: ACMG Guidelines, 2015. Collection method: clinical testing. Allele origin: germline. Affected: yes.
Comment: Toe Walking has various causes, ranging from idiopathic or habitual reasons to an underlying neuromuscular disease. The most observed form of toe walking is idiopathic toe walking (ITW) - a diagnosis of exclusion. ITW occurs in about 5% of children after their second birthday and is a common problem in pediatric orthopedics. In about 70% of these cases, there is spontaneous remission within six months of the onset of ITW. If the toe walk persists, one can assume the presence of a non-idiopathic form of toe walk (n-ITW). In n-ITW, the causes of the abnormal gait are neurological or myogenic. Differential diagnoses such as infantile cerebral palsy, muscular dystrophy, spinal amyotrophy and hereditary motor-sensory neuropathy as well as rare metabolic disorders of the musculature must be considered (Pomarino et al., 2018). In our clinical ITW consultation, we screen children with n-ITW for a genetic form of tiptoe gait using next generation sequencing for gene variants in 49 genes. These are genes in which gene variants can lead to neuromuscular diseases in which an association with toe-tapping gait has been reported or can be suspected due to patients’ clinical symptoms. To the best of our knowledge, this is the first study in which several patients with toe walking displayed heterozygosity for pathogenic or likely pathogenic PYGM mutations and mild symptoms of the metabolic muscle disease McArdle. The findings of our research are in line with recently published observations in heterozygous family members patients with McArdle disease. We should mention that some of the patients in our cohort harbored heterozygous variants in other genes of our gene panel. However, the numbers in this study were too small to workout any resulting combined genetic effects. It is concluded that genetic conditions can contribute to the development of toe walking. Apparently, even a slight genetic weakening of the muscles can lead to changes to the gait pattern. Future studies must show how the pathomechanism can be explained for the PYGM variants and whether there are new therapeutic approaches to be developed based on this research.

Pars Genome Lab
Classification: Likely benign for Glycogen storage disease, type V. Last evaluated: 2021-05-18. Review status: criteria provided, single submitter. Criteria: ACMG Guidelines, 2015. Collection method: clinical testing. Allele origin: germline. Affected: no.

GeneDx
Classification: Likely benign. Last evaluated: 2021-03-30. Review status: criteria provided, single submitter. Criteria: GeneDx Variant Classification Process June 2021. Collection method: clinical testing. Allele origin: germline. Affected: yes.
Comment: This variant is associated with the following publications: (PMID: 26907767, 32420686, 24503134, 23653251, 25741863, 25214167, 30560358)

Eurofins Ntd Llc (ga)
Classification: Uncertain significance. Last evaluated: 2018-08-16. Review status: criteria provided, single submitter. Criteria: EGL ClinVar v180209 classification definitions. Collection method: clinical testing. Allele origin: germline. Observed: 4 variant alleles, 4 heterozygotes.

Natera, Inc.
Classification: Benign for Glycogen storage disease V. Last evaluated: 2020-01-12. Review status: no assertion criteria provided. Collection method: clinical testing. Allele origin: germline. Not counted in ClinVar's aggregate classification.

Literature cited by the submitters: PubMed 23653251 (cited by 3 submitters); PubMed 25214167 (cited by Women's Health and Genetics/Laboratory Corporation of America, LabCorp and Mayo Clinic Laboratories, Mayo Clinic); PubMed 25741863 (cited by Mayo Clinic Laboratories, Mayo Clinic); PubMed 30560358 (cited by Mayo Clinic Laboratories, Mayo Clinic); PubMed 34426522 (cited by Mayo Clinic Laboratories, Mayo Clinic); PubMed 29881221 (cited by Practice for Gait Abnormalities, David Pomarino, Competency Network Toe Walking C/o Practice Pomarino); DOI 10.1016/j.rchot.2016.09.001 (cited by Practice for Gait Abnormalities, David Pomarino, Competency Network Toe Walking C/o Practice Pomarino); DOI 10.51793/OS.2022.25.6.010 (cited by Practice for Gait Abnormalities, David Pomarino, Competency Network Toe Walking C/o Practice Pomarino).